The following is an entry in ClinVar:

ClinVar aggregate classification (germline): Conflicting classifications of pathogenicity. Review status: criteria provided, conflicting classifications (1 of 4 stars). 3 submissions from 3 submitters: Uncertain significance (1); Likely benign (2). Last evaluated 2025-08-29.

Conditions:
Inborn genetic diseases. Identifiers: MedGen C0950123, MeSH D030342.
Ornithine carbamoyltransferase deficiency (OTCD). Also called: ORNITHINE TRANSCARBAMYLASE DEFICIENCY; Ornithine Carbamoyltransferase Deficiency Disease; OTC DEFICIENCY; ORNITHINE TRANSCARBAMYLASE DEFICIENCY, HYPERAMMONEMIA DUE TO. Identifiers: Orphanet 664, MedGen C0268542, MONDO:0010703, OMIM 311250.

Allele frequency attached by ClinVar (database versions not stated): gnomAD exomes 0.00001 and 0.00004; gnomAD 0.00002; ExAC 0.00003.
gnomAD v4.1: 8 of 1,205,603 alleles (0.00066%); highest among the groups gnomAD compares: Admixed American, 0.018%; no homozygotes.

Submissions (3):

Labcorp Genetics (formerly Invitae), Labcorp
Classification: Uncertain significance for Ornithine carbamoyltransferase deficiency. Last evaluated: 2025-08-29. Review status: criteria provided, single submitter. Criteria: Invitae Variant Classification Sherloc (09022015). Collection method: clinical testing. Allele origin: germline.
Comment: This sequence change replaces proline, which is neutral and non-polar, with glutamine, which is neutral and polar, at codon 30 of the OTC protein (p.Pro30Gln). This variant is present in population databases (rs753712951, gnomAD 0.02%). This variant has not been reported in the literature in individuals affected with OTC-related conditions. ClinVar contains an entry for this variant (Variation ID: 1466747). Invitae Evidence Modeling of protein sequence and biophysical properties (such as structural, functional, and spatial information, amino acid conservation, physicochemical variation, residue mobility, and thermodynamic stability) indicates that this missense variant is expected to disrupt OTC protein function with a positive predictive value of 95%. In summary, the available evidence is currently insufficient to determine the role of this variant in disease. Therefore, it has been classified as a Variant of Uncertain Significance.

Ambry Genetics
Classification: Likely benign for Inborn genetic diseases. Last evaluated: 2023-08-04. Review status: criteria provided, single submitter. Criteria: Ambry Variant Classification Scheme 2023. Collection method: clinical testing. Allele origin: germline.

Color Diagnostics, LLC DBA Color Health
Classification: Likely benign for Ornithine carbamoyltransferase deficiency. Last evaluated: 2023-06-09. Review status: criteria provided, single submitter. Criteria: ACMG Guidelines, 2015. Collection method: clinical testing. Allele origin: germline.

NM_000531.6(OTC):c.89C>A (p.Pro30Gln)

Gene: OTC (ornithine transcarbamylase; plus strand). Cytogenetic location: Xp11.4.
Variant type: single nucleotide variant.
Coding change: c.89C>A on transcript NM_000531.6 (MANE Select); coding-DNA position 89, C replaced by A.
Protein change: p.Pro30Gln; replaces proline 30 with glutamine.
Molecular consequence: missense variant.
Genome position (GRCh38, 1-based): chrX:38,367,302, C>A. VCF-style: chrX-38367302-C-A. GRCh37 (hg19) VCF-style: chrX-38226555-C-A.
Other names: c.89C>A (NM_000531.5); short protein forms P30Q.
Identifiers: ClinVar variation 1466747 (VCV001466747.7), dbSNP rs753712951, ClinGen allele CA10385789.